The following is an entry in ClinVar:

NM_001042492.3(NF1):c.5488C>A (p.Arg1830Ser)

Gene: NF1 (neurofibromin 1; plus strand). Cytogenetic location: 17q11.2.
Variant type: single nucleotide variant.
Coding change: c.5488C>A on transcript NM_001042492.3 (MANE Select); coding-DNA position 5488, C replaced by A.
Protein change: p.Arg1830Ser; replaces arginine 1830 with serine.
Molecular consequence: missense variant.
Genome position (GRCh38, 1-based): chr17:31,327,718, C>A. VCF-style: chr17-31327718-C-A. GRCh37 (hg19) VCF-style: chr17-29654736-C-A.
Other names: c.5425C>A, p.Arg1809Ser (NM_000267.4); short protein forms R1809S, R1830S.
Identifiers: ClinVar variation 208856 (VCV000208856.9), dbSNP rs797045139, ClinGen allele CA276055.

ClinVar aggregate classification (germline): Pathogenic. Review status: criteria provided, single submitter (1 of 4 stars). 3 submissions from 3 submitters: Pathogenic (1). 2 of the submissions do not count toward it. Last evaluated 2024-08-20.

Conditions:
Neurofibromatosis, type 1 (NF1). Also called: VON RECKLINGHAUSEN DISEASE; Neurofibromatosis, type I; NEUROFIBROMATOSIS, TYPE I, SOMATIC; Peripheral type neurofibromatosis. Identifiers: Orphanet 636, MedGen C0027831, MONDO:0018975, OMIM 162200. Disease mechanism: loss of function.

Submissions (3):

Labcorp Genetics (formerly Invitae), Labcorp
Classification: Pathogenic for Neurofibromatosis, type 1. Last evaluated: 2024-08-20. Review status: criteria provided, single submitter. Criteria: Invitae Variant Classification Sherloc (09022015). Collection method: clinical testing. Allele origin: germline.
Comment: This sequence change replaces arginine, which is basic and polar, with serine, which is neutral and polar, at codon 1809 of the NF1 protein (p.Arg1809Ser). This variant is not present in population databases (gnomAD no frequency). This missense change has been observed in individual(s) with NF1-related conditions (PMID: 26178382). In at least one individual the variant was observed to be de novo. ClinVar contains an entry for this variant (Variation ID: 208856). Invitae Evidence Modeling of protein sequence and biophysical properties (such as structural, functional, and spatial information, amino acid conservation, physicochemical variation, residue mobility, and thermodynamic stability) indicates that this missense variant is expected to disrupt NF1 protein function with a positive predictive value of 95%. For these reasons, this variant has been classified as Pathogenic.

GeneReviews
No classification provided. Condition: Neurofibromatosis, type 1. Review status: no classification provided. Collection method: literature only. Allele origin: germline. Not counted in ClinVar's aggregate classification.

UAB Medical Genomics Laboratory, UAB Medicine
Classification: Pathogenic for Neurofibromatosis, type 1. Review status: no assertion criteria provided. Collection method: clinical testing. Allele origin: germline. Affected: yes. Observed: 3 variant alleles. Not counted in ClinVar's aggregate classification.

Literature cited by the submitters: PubMed 26178382 (cited by Labcorp Genetics (formerly Invitae), Labcorp and UAB Medical Genomics Laboratory, UAB Medicine); NCBI Bookshelf NBK1109 (cited by GeneReviews).